The following is an entry in ClinVar:

NM_001142966.3(GREB1L):c.1451A>G (p.Gln484Arg)

Genes: GREB1L (GREB1 like retinoic acid receptor coactivator; plus strand), GREB1L-AS1 (GREB1L antisense RNA 1; minus strand). Cytogenetic location: 18q11.1.
Variant type: single nucleotide variant.
Coding change: c.1451A>G on transcript NM_001142966.3 (MANE Select); coding-DNA position 1451, A replaced by G.
Protein change: p.Gln484Arg; replaces glutamine 484 with arginine.
Molecular consequence: missense variant. On other transcripts: intron variant (1).
Genome position (GRCh38, 1-based): chr18:21,449,567, A>G. VCF-style: chr18-21449567-A-G. GRCh37 (hg19) VCF-style: chr18-19029528-A-G.
Other names: c.1580A>G, p.Gln527Arg (NM_001410867.1); c.1394-1456A>G (NM_001410868.1); short protein forms Q484R, Q527R.
Identifiers: ClinVar variation 4766877 (VCV004766877.1).

ClinVar aggregate classification (germline): Uncertain significance (1 of 4 stars; one submission).

gnomAD v4.1: 44 of 1,551,312 alleles (0.0028%); highest among the groups gnomAD compares: Admixed American, 0.086%; no homozygotes.

Submission:

Labcorp Genetics (formerly Invitae), Labcorp
Classification: Uncertain significance. Last evaluated: 2025-12-18. Review status: criteria provided, single submitter. Criteria: Invitae Variant Classification Sherloc (09022015). Collection method: clinical testing. Allele origin: germline.
Comment: This sequence change replaces glutamine, which is neutral and polar, with arginine, which is basic and polar, at codon 484 of the GREB1L protein (p.Gln484Arg). This variant is present in population databases (no rsID available, gnomAD 0.07%), and has an allele count higher than expected for a pathogenic variant. This variant has not been reported in the literature in individuals affected with GREB1L-related conditions. An algorithm developed to predict the effect of missense changes on protein structure and function (PolyPhen-2) suggests that this variant is likely to be disruptive. In summary, the available evidence is currently insufficient to determine the role of this variant in disease. Therefore, it has been classified as a Variant of Uncertain Significance.